The following is an entry in ClinVar:

NM_020988.3(GNAO1):c.464+22T>C

Gene: GNAO1 (G protein subunit alpha o1; plus strand). Cytogenetic location: 16q13.
Variant type: single nucleotide variant.
Coding change: c.464+22T>C on transcript NM_020988.3 (MANE Select); 22 bases into the intron after coding-DNA position 464, T replaced by C.
Molecular consequence: intron variant.
Genome position (GRCh38, 1-based): chr16:56,328,813, T>C. VCF-style: chr16-56328813-T-C. GRCh37 (hg19) VCF-style: chr16-56362725-T-C.
Other names: c.464+22T>C (NM_138736.3).
Identifiers: ClinVar variation 1247516 (VCV001247516.6), dbSNP rs2241952, ClinGen allele CA8063763.

ClinVar aggregate classification (germline): Benign. Review status: criteria provided, multiple submitters, no conflicts (2 of 4 stars). 5 submissions from 4 submitters: Benign (5). Last evaluated 2024-07-15.

Conditions:
Neurodevelopmental disorder with involuntary movements (NEDIM). Identifiers: Orphanet 592564, MedGen C4479569, MONDO:0060491, OMIM 617493.
Developmental and epileptic encephalopathy, 17 (DEE17). Also called: Early infantile epileptic encephalopathy 17. Identifiers: Orphanet 1934, MedGen C3809606, MONDO:0014199, OMIM 615473.

Allele frequency attached by ClinVar (database versions not stated): ESP Exome Variant Server 0.57041; 1000 Genomes Project 30x 0.58651; TOPMed 0.58769; 1000 Genomes Project 0.59265; gnomAD 0.59320 and 0.59838; ExAC 0.66457; gnomAD exomes 0.66715 and 0.67307.
gnomAD v4.1: 1,064,289 of 1,610,602 alleles (66%); highest among the groups gnomAD compares: East Asian, 77%; 356,336 homozygotes.

Submissions (5):

Unidad de Genómica Garrahan, Hospital de Pediatría Garrahan
Classification: Benign. Last evaluated: 2024-07-15. Review status: criteria provided, single submitter. Criteria: ACMG Guidelines, 2015. Collection method: clinical testing. Allele origin: germline. Affected: no. Observed: 86 variant alleles.
Comment: This variant is classified as Benign based on local population frequency. This variant was detected in 92% of patients studied in a panel designed for Epileptic and Developmental Encephalopathy and Progressive Myoclonus Epilepsy. Number of patients: 86. Only high quality variants are reported.

Genome-Nilou Lab
Classification: Benign for Developmental and epileptic encephalopathy, 17. Last evaluated: 2021-08-10. Review status: criteria provided, single submitter. Criteria: ACMG Guidelines, 2015. Collection method: clinical testing. Allele origin: germline. Affected: no.

Genome-Nilou Lab
Classification: Benign for Neurodevelopmental disorder with involuntary movements. Last evaluated: 2021-08-10. Review status: criteria provided, single submitter. Criteria: ACMG Guidelines, 2015. Collection method: clinical testing. Allele origin: germline. Affected: no.

GeneDx
Classification: Benign. Last evaluated: 2018-07-03. Review status: criteria provided, single submitter. Criteria: GeneDx Variant Classification Process June 2021. Collection method: clinical testing. Allele origin: germline. Affected: yes.

Breakthrough Genomics
Classification: Benign. Review status: criteria provided, single submitter. Criteria: ACMG Guidelines, 2015. Collection method: not provided. Allele origin: germline. Inheritance: Autosomal dominant inheritance. Affected: yes.